The following is an entry in ClinVar:

NM_015308.5(FNBP4):c.450+8G>A

Gene: FNBP4 (formin binding protein 4; minus strand). Cytogenetic location: 11p11.2.
Variant type: single nucleotide variant.
Coding change: c.450+8G>A on transcript NM_015308.5 (MANE Select); 8 bases into the intron after coding-DNA position 450, G replaced by A.
Molecular consequence: intron variant.
Genome position (GRCh38, 1-based): chr11:47,754,520, C>T on the plus strand (G>A on the coding strand, the complement: FNBP4 is on the minus strand). VCF-style: chr11-47754520-C-T. GRCh37 (hg19) VCF-style: chr11-47776072-C-T.
Other names: c.357+8G>A (NM_001441104.1); c.314-3230G>A (NM_001441106.1); c.669+8G>A (NM_001441102.1); c.363+8G>A (NM_001441103.1); c.456+8G>A (NM_001441107.1, NM_001441108.1, NM_001318339.4 and 4 more transcripts); c.675+8G>A (NM_001441101.1); c.171+8G>A (NM_001441105.1); c.450+8G>A (NM_001441112.1, NM_001441111.1, NM_001441114.1).
Identifiers: ClinVar variation 3037014 (VCV003037014.2), dbSNP rs146195318, ClinGen allele CA5980197.

ClinVar aggregate classification (germline): Likely benign (0 of 4 stars; one submission).

Conditions:
FNBP4-related disorder. Also called: FNBP4-related condition.

Allele frequency attached by ClinVar (database versions not stated): ExAC 0.00018; 1000 Genomes Project 0.00060; 1000 Genomes Project 30x 0.00062; gnomAD 0.00078; TOPMed 0.00087; ESP Exome Variant Server 0.00128.

Submission:

PreventionGenetics, part of Exact Sciences
Classification: Likely benign for FNBP4-related condition. Last evaluated: 2021-04-07. Review status: no assertion criteria provided. Collection method: clinical testing. Allele origin: germline.
Comment: This variant is classified as likely benign based on ACMG/AMP sequence variant interpretation guidelines (Richards et al. 2015 PMID: 25741868, with internal and published modifications).